The following is an entry in ClinVar:

NM_002230.4(JUP):c.248A>G (p.Lys83Arg)

Gene: JUP (junction plakoglobin; minus strand). Cytogenetic location: 17q21.2.
Variant type: single nucleotide variant.
Coding change: c.248A>G on transcript NM_002230.4 (MANE Select); coding-DNA position 248, A replaced by G.
Protein change: p.Lys83Arg; replaces lysine 83 with arginine.
Molecular consequence: missense variant.
Genome position (GRCh38, 1-based): chr17:41,769,638, T>C on the plus strand (A>G on the coding strand, the complement: JUP is on the minus strand). VCF-style: chr17-41769638-T-C. GRCh37 (hg19) VCF-style: chr17-39925890-T-C.
Other names: c.248A>G, p.Lys83Arg (NM_001352773.2, NM_001352774.2, NM_001352775.2 and 3 more transcripts); short protein forms K83R.
Identifiers: ClinVar variation 2084166 (VCV002084166.5), dbSNP rs781953833, ClinGen allele CA8565541.

ClinVar aggregate classification (germline): Uncertain significance. Review status: criteria provided, multiple submitters, no conflicts (2 of 4 stars). 2 submissions from 2 submitters: Uncertain significance (2). Last evaluated 2025-03-07.

Conditions:
Arrhythmogenic right ventricular dysplasia 12. Also called: ARRHYTHMOGENIC RIGHT VENTRICULAR DYSPLASIA, FAMILIAL, 12. Identifiers: MedGen C1969081, MONDO:0012684, OMIM 611528.
Naxos disease (NXD). Also called: WOOLLY HAIR, PALMOPLANTAR KERATODERMA, AND CARDIAC ABNORMALITIES; KERATOSIS PALMOPLANTARIS WITH ARRHYTHMOGENIC CARDIOMYOPATHY; MAL DE NAXOS; PALMOPLANTAR KERATODERMA WITH ARRHYTHMOGENIC RIGHT VENTRICULAR CARDIOMYOPATHY AND WOOLLY HAIR; CARDIOMYOPATHY, ARRHYTHMOGENIC RIGHT VENTRICULAR, WITH SKIN, HAIR, AND NAIL ABNORMALITIES. Identifiers: Orphanet 34217, MedGen C1832600, MONDO:0011017, OMIM 601214.

Allele frequency attached by ClinVar (database versions not stated): gnomAD 0.00001; gnomAD exomes 0.00001; TOPMed 0.00001; ExAC 0.00006.
gnomAD v4.1: 9 of 1,607,208 alleles (0.00056%); highest among the groups gnomAD compares: Admixed American, 0.015%; no homozygotes.

Submissions (2):

Labcorp Genetics (formerly Invitae), Labcorp
Classification: Uncertain significance for Arrhythmogenic right ventricular dysplasia 12; Naxos disease. Last evaluated: 2025-03-07. Review status: criteria provided, single submitter. Criteria: Invitae Variant Classification Sherloc (09022015). Collection method: clinical testing. Allele origin: germline.
Comment: This sequence change replaces lysine, which is basic and polar, with arginine, which is basic and polar, at codon 83 of the JUP protein (p.Lys83Arg). This variant is present in population databases (rs781953833, gnomAD 0.03%). This variant has not been reported in the literature in individuals affected with JUP-related conditions. ClinVar contains an entry for this variant (Variation ID: 2084166). An algorithm developed to predict the effect of missense changes on protein structure and function (PolyPhen-2) suggests that this variant is likely to be tolerated. In summary, the available evidence is currently insufficient to determine the role of this variant in disease. Therefore, it has been classified as a Variant of Uncertain Significance.

GeneDx
Classification: Uncertain significance. Last evaluated: 2024-05-01. Review status: criteria provided, single submitter. Criteria: GeneDx Variant Classification Process June 2021. Collection method: clinical testing. Allele origin: germline. Affected: yes.
Comment: Has not been previously published as pathogenic or benign to our knowledge; In silico analysis indicates that this missense variant does not alter protein structure/function